The following is an entry in ClinVar:

NM_000094.4(COL7A1):c.715G>T (p.Val239Leu)

Gene: COL7A1 (collagen type VII alpha 1 chain; minus strand). Cytogenetic location: 3p21.31.
Variant type: single nucleotide variant.
Coding change: c.715G>T on transcript NM_000094.4 (MANE Select); coding-DNA position 715, G replaced by T.
Protein change: p.Val239Leu; replaces valine 239 with leucine.
Molecular consequence: missense variant.
Genome position (GRCh38, 1-based): chr3:48,592,906, C>A on the plus strand (G>T on the coding strand, the complement: COL7A1 is on the minus strand). VCF-style: chr3-48592906-C-A. GRCh37 (hg19) VCF-style: chr3-48630339-C-A.
Other names: short protein forms V239L.
Identifiers: ClinVar variation 3604115 (VCV003604115.2).

ClinVar aggregate classification (germline): Uncertain significance (1 of 4 stars; one submission).

gnomAD v4.1: 3 of 1,614,022 alleles (0.00019%); highest among the groups gnomAD compares: South Asian, 0.0022%; no homozygotes.

Submission:

Labcorp Genetics (formerly Invitae), Labcorp
Classification: Uncertain significance. Last evaluated: 2024-02-15. Review status: criteria provided, single submitter. Criteria: Invitae Variant Classification Sherloc (09022015). Collection method: clinical testing. Allele origin: germline.
Comment: This sequence change replaces valine, which is neutral and non-polar, with leucine, which is neutral and non-polar, at codon 239 of the COL7A1 protein (p.Val239Leu). This variant is present in population databases (rs762444440, gnomAD 0.003%). This variant has not been reported in the literature in individuals affected with COL7A1-related conditions. Advanced modeling of protein sequence and biophysical properties (such as structural, functional, and spatial information, amino acid conservation, physicochemical variation, residue mobility, and thermodynamic stability) performed at Invitae indicates that this missense variant is not expected to disrupt COL7A1 protein function with a negative predictive value of 95%. In summary, the available evidence is currently insufficient to determine the role of this variant in disease. Therefore, it has been classified as a Variant of Uncertain Significance.